The following is an entry in ClinVar:

NM_144997.7(FLCN):c.365_372del (p.Arg122fs)

Gene: FLCN (folliculin; minus strand). Cytogenetic location: 17p11.2.
Variant type: Deletion.
Coding change: c.365_372del on transcript NM_144997.7 (MANE Select); coding-DNA positions 365 to 372, 8 bases deleted (GCCAGGCC; older notation c.365_372delGCCAGGCC).
Protein change: p.Arg122fs; shifts the reading frame from arginine 122.
Molecular consequence: frameshift variant.
Genome position (GRCh38, 1-based): chr17:17,226,200-17,226,207, GGCCTGGC deleted on the plus strand (GCCAGGCC on the coding strand, the reverse complement: FLCN is on the minus strand); deleting any 8 consecutive bases within chr17:17,226,200-17,226,209 gives the same sequence; the c. name uses the placement nearest the transcript's 3' end. VCF-style (leftmost placement, unchanged base first): chr17-17226199-AGGCCTGGC-A. GRCh37 (hg19) VCF-style: chr17-17129513-AGGCCTGGC-A.
Other names: c.365_372del (LRG_325t1); c.365_372del, p.Arg122fs (NM_001353229.2, NM_001353230.2, NM_001353231.2 and 1 more transcripts); short protein forms R122fs.
Identifiers: ClinVar variation 565562 (VCV000565562.6), dbSNP rs1567822638, ClinGen allele CA891844379.

ClinVar aggregate classification (germline): Pathogenic (1 of 4 stars; one submission).

Conditions:
Birt-Hogg-Dube syndrome. Also called: Birt Hogg Dubé syndrome. Identifiers: Orphanet 122, MedGen C0346010, MONDO:0800444.

Submission:

Labcorp Genetics (formerly Invitae), Labcorp
Classification: Pathogenic for Birt-Hogg-Dube syndrome. Last evaluated: 2018-04-05. Review status: criteria provided, single submitter. Criteria: Invitae Variant Classification Sherloc (09022015). Collection method: clinical testing. Allele origin: germline.
Comment: This variant has not been reported in the literature in individuals with FLCN-related disease. For these reasons, this variant has been classified as Pathogenic. Loss-of-function variants in FLCN are known to be pathogenic (PMID: 15852235). This variant is not present in population databases (ExAC no frequency). This sequence change creates a premature translational stop signal (p.Arg122Leufs*8) in the FLCN gene. It is expected to result in an absent or disrupted protein product.

Literature cited by the submitters: PubMed 15852235.